The following is an entry in ClinVar:

NM_001098671.2(RASGRP2):c.1086C>G (p.Ser362Arg)

Gene: RASGRP2 (RAS guanyl releasing protein 2; minus strand). Cytogenetic location: 11q13.1.
Variant type: single nucleotide variant.
Coding change: c.1086C>G on transcript NM_001098671.2 (MANE Select); coding-DNA position 1086, C replaced by G.
Protein change: p.Ser362Arg; replaces serine 362 with arginine.
Molecular consequence: missense variant.
Genome position (GRCh38, 1-based): chr11:64,736,762, G>C on the plus strand (C>G on the coding strand, the complement: RASGRP2 is on the minus strand). VCF-style: chr11-64736762-G-C. GRCh37 (hg19) VCF-style: chr11-64504234-G-C.
Other names: c.1086C>G, p.Ser362Arg (NM_001098670.2, NM_153819.2); c.651C>G, p.Ser217Arg (NM_001318398.2); short protein forms S362R, S217R.
Identifiers: ClinVar variation 3710930 (VCV003710930.2).

ClinVar aggregate classification (germline): Uncertain significance (1 of 4 stars; one submission).

gnomAD v4.1: 14 of 1,588,906 alleles (0.00088%); highest among the groups gnomAD compares: Non-Finnish European, 0.0011%; no homozygotes.

Submission:

Labcorp Genetics (formerly Invitae), Labcorp
Classification: Uncertain significance. Last evaluated: 2024-09-20. Review status: criteria provided, single submitter. Criteria: Invitae Variant Classification Sherloc (09022015). Collection method: clinical testing. Allele origin: germline.
Comment: This sequence change replaces serine, which is neutral and polar, with arginine, which is basic and polar, at codon 362 of the RASGRP2 protein (p.Ser362Arg). This variant is not present in population databases (gnomAD no frequency). This variant has not been reported in the literature in individuals affected with RASGRP2-related conditions. Invitae Evidence Modeling of protein sequence and biophysical properties (such as structural, functional, and spatial information, amino acid conservation, physicochemical variation, residue mobility, and thermodynamic stability) indicates that this missense variant is not expected to disrupt RASGRP2 protein function with a negative predictive value of 80%. In summary, the available evidence is currently insufficient to determine the role of this variant in disease. Therefore, it has been classified as a Variant of Uncertain Significance.